The following is an entry in ClinVar:

ClinVar aggregate classification (germline): Uncertain significance. Review status: criteria provided, multiple submitters, no conflicts (2 of 4 stars). 3 submissions from 3 submitters: Uncertain significance (3). Last evaluated 2026-01-04.

Conditions:
Hereditary cancer-predisposing syndrome. Also called: Neoplastic Syndromes, Hereditary; Hereditary neoplastic syndrome; Tumor predisposition; Hereditary Cancer Syndrome. Identifiers: Orphanet 140162, MedGen C0027672, MeSH D009386, MONDO:0015356.
Familial cancer of breast. Also called: Hereditary breast cancer; hereditary breast carcinoma; BREAST CANCER, FAMILIAL. Identifiers: Orphanet 227535, MedGen C0346153, MONDO:0016419, OMIM 114480. Disease mechanism: loss of function.
Breast-ovarian cancer, familial, susceptibility to, 5 (BROVCA5). Identifiers: MedGen C5830615, MONDO:0957530, OMIM 620442.

Submissions (3):

Labcorp Genetics (formerly Invitae), Labcorp
Classification: Uncertain significance for Familial cancer of breast. Last evaluated: 2026-01-04. Review status: criteria provided, single submitter. Criteria: Invitae Variant Classification Sherloc (09022015). Collection method: clinical testing. Allele origin: germline.
Comment: This sequence change replaces arginine, which is basic and polar, with lysine, which is basic and polar, at codon 189 of the PALB2 protein (p.Arg189Lys). This variant is not present in population databases (gnomAD no frequency). This variant has not been reported in the literature in individuals affected with PALB2-related conditions. ClinVar contains an entry for this variant (Variation ID: 864430). An algorithm developed to predict the effect of missense changes on protein structure and function outputs the following: PolyPhen-2: "Benign". The lysine amino acid residue is found in multiple mammalian species, which suggests that this missense change does not adversely affect protein function. In summary, the available evidence is currently insufficient to determine the role of this variant in disease. Therefore, it has been classified as a Variant of Uncertain Significance.

Dasa
Classification: Uncertain significance for Breast-ovarian cancer, familial, susceptibility to, 5. Last evaluated: 2025-11-18. Review status: criteria provided, single submitter. Criteria: DASA Assertion Criteria. Collection method: clinical testing. Allele origin: germline.
Comment: NM_024675.4(PALB2):c.566G>A (p.Arg189Lys) is a missense variant that results in the substitution of arginine with lysine. This variant is absent from population databases. The currently available literature and clinical evidence are not sufficient to establish a definitive association between this variant and the reported condition. Therefore, this variant is classified as a variant of uncertain significance.

Ambry Genetics
Classification: Uncertain significance for Hereditary cancer-predisposing syndrome. Last evaluated: 2025-01-03. Review status: criteria provided, single submitter. Criteria: Ambry Variant Classification Scheme 2023. Collection method: clinical testing. Allele origin: germline.
Comment: The p.R189K variant (also known as c.566G>A), located in coding exon 4 of the PALB2 gene, results from a G to A substitution at nucleotide position 566. The arginine at codon 189 is replaced by lysine, an amino acid with highly similar properties. This amino acid position is conserved. In addition, this alteration is predicted to be tolerated by in silico analysis. Since supporting evidence is limited at this time, the clinical significance of this alteration remains unclear.

NM_024675.4(PALB2):c.566G>A (p.Arg189Lys)

Gene: PALB2 (partner and localizer of BRCA2; minus strand). Cytogenetic location: 16p12.2.
Variant type: single nucleotide variant.
Coding change: c.566G>A on transcript NM_024675.4 (MANE Select); coding-DNA position 566, G replaced by A.
Protein change: p.Arg189Lys; replaces arginine 189 with lysine.
Molecular consequence: missense variant.
Genome position (GRCh38, 1-based): chr16:23,635,980, C>T on the plus strand (G>A on the coding strand, the complement: PALB2 is on the minus strand). VCF-style: chr16-23635980-C-T. GRCh37 (hg19) VCF-style: chr16-23647301-C-T.
Other names: short protein forms R189K.
Identifiers: ClinVar variation 864430 (VCV000864430.16), dbSNP rs764180110, ClinGen allele CA395136812.